The following is an entry in ClinVar:

ClinVar aggregate classification (germline): Uncertain significance (1 of 4 stars; one submission).

Conditions:
Familial adenomatous polyposis 1 (FAP1). Also called: FAMILIAL ADENOMATOUS POLYPOSIS 1, ATTENUATED; POLYPOSIS, ADENOMATOUS INTESTINAL. Identifiers: MedGen C2713442, MONDO:0021056, OMIM 175100. Disease mechanism: loss of function.

Submission:

Labcorp Genetics (formerly Invitae), Labcorp
Classification: Uncertain significance for Familial adenomatous polyposis 1. Last evaluated: 2021-09-01. Review status: criteria provided, single submitter. Criteria: Invitae Variant Classification Sherloc (09022015). Collection method: clinical testing. Allele origin: germline.
Comment: This variant occurs in a non-coding region of the APC gene. It does not change the encoded amino acid sequence of the APC protein. The frequency data for this variant in the population databases is considered unreliable, as metrics indicate insufficient coverage at this position in the ExAC database. This variant has not been reported in the literature in individuals affected with APC-related conditions. ClinVar contains an entry for this variant (Variation ID: 469838). Experimental studies and prediction algorithms are not available or were not evaluated, and the functional significance of this variant is currently unknown. In summary, the available evidence is currently insufficient to determine the role of this variant in disease. Therefore, it has been classified as a Variant of Uncertain Significance.

NM_001127511.3(APC):c.-139G>C

Gene: APC (APC regulator of Wnt signaling pathway; plus strand). Cytogenetic location: 5q22.2.
Variant type: single nucleotide variant.
Coding change: c.-139G>C on transcript NM_001127511.3; 139 bases upstream of the start codon, G replaced by C.
Molecular consequence: 5 prime UTR variant. On other transcripts: non-coding transcript variant (2).
Genome position (GRCh38, 1-based): chr5:112,707,579, G>C. VCF-style: chr5-112707579-G-C. GRCh37 (hg19) VCF-style: chr5-112043276-G-C.
Other names: c.-322G>C (NM_001354895.2, NM_001407447.1, NM_001407452.1 and 3 more transcripts); c.-139G>C (NM_001354897.2, NM_001354902.2, NM_001407446.1); c.-89G>C (NM_001407448.1, NM_001407450.1, NM_001407457.1 and 1 more transcripts); c.-113G>C (NM_001407453.1); c.-1357G>C (NM_001407470.1, NM_001407472.1).
Identifiers: ClinVar variation 469838 (VCV000469838.7), dbSNP rs1554060208, ClinGen allele CA658655892.